The following is an entry in ClinVar:

ClinVar aggregate classification (germline): Uncertain significance. Review status: criteria provided, multiple submitters, no conflicts (2 of 4 stars). 2 submissions from 2 submitters: Uncertain significance (2). Last evaluated 2025-05-23.

Conditions:
SYNE1-related disorder. Also called: SYNE1-related disease; SYNE1-related condition; SYNE1-related disorders.
Emery-Dreifuss muscular dystrophy 4, autosomal dominant (EDMD4). Also called: EMERY-DREIFUSS MUSCULAR DYSTROPHY 4 WITH VARIABLE FEATURES. Identifiers: Orphanet 261, MedGen C2751807, MONDO:0013071, OMIM 612998.
Autosomal recessive ataxia, Beauce type. Also called: Spinocerebellar ataxia, autosomal recessive 8; ATAXIA, RECESSIVE, OF BEAUCE; SYNE1 Deficiency; SYNE1-Related Autosomal Recessive Cerebellar Ataxia. Identifiers: Orphanet 88644, MedGen C1853116, MONDO:0012549, OMIM 610743.

Submissions (2):

PreventionGenetics, part of Exact Sciences
Classification: Uncertain significance for SYNE1-related condition. Last evaluated: 2025-05-23. Review status: criteria provided, single submitter. Criteria: ACMG Guidelines, 2015. Collection method: clinical testing. Allele origin: germline.
Comment: The SYNE1 c.24893_24894delinsTC variant is predicted to result in an in-frame deletion and insertion. To our knowledge, this variant has not been reported in the literature or in a large population database (gnomAD), indicating this variant is rare. At this time, the clinical significance of this variant is uncertain due to the absence of conclusive functional and genetic evidence.

Labcorp Genetics (formerly Invitae), Labcorp
Classification: Uncertain significance for Emery-Dreifuss muscular dystrophy 4, autosomal dominant; Autosomal recessive ataxia, Beauce type. Last evaluated: 2023-08-10. Review status: criteria provided, single submitter. Criteria: Invitae Variant Classification Sherloc (09022015). Collection method: clinical testing. Allele origin: germline.
Comment: In summary, the available evidence is currently insufficient to determine the role of this variant in disease. Therefore, it has been classified as a Variant of Uncertain Significance. An algorithm developed to predict the effect of missense changes on protein structure and function (PolyPhen-2) suggests that this variant is likely to be tolerated. ClinVar contains an entry for this variant (Variation ID: 2187877). This variant has not been reported in the literature in individuals affected with SYNE1-related conditions. Information on the frequency of this variant in the gnomAD database is not available, as this variant may be reported differently in the database. This sequence change replaces arginine, which is basic and polar, with leucine, which is neutral and non-polar, at codon 8298 of the SYNE1 protein (p.Arg8298Leu).

NM_182961.4(SYNE1):c.25037_25038delinsTC (p.Arg8346Leu)

Gene: SYNE1 (spectrin repeat containing nuclear envelope protein 1; minus strand). Cytogenetic location: 6q25.2.
Variant type: Indel.
Coding change: c.25037_25038delinsTC on transcript NM_182961.4 (MANE Select); coding-DNA positions 25037 to 25038, GT replaced by TC.
Protein change: p.Arg8346Leu; replaces arginine 8346 with leucine.
Molecular consequence: missense variant.
Genome position (GRCh38, 1-based): chr6:152,143,704-152,143,705, AC replaced by GA on the plus strand (GT replaced by TC on the coding strand, the reverse complement: SYNE1 is on the minus strand). VCF-style: chr6-152143704-AC-GA. GRCh37 (hg19) VCF-style: chr6-152464839-AC-GA.
Other names: c.1643_1644delinsTC, p.Arg548Leu (NM_001347701.2); c.1571_1572delinsTC, p.Arg524Leu (NM_001347702.2); c.24893_24894delGTinsTC, p.Arg8298Leu (NM_033071.3); c.24893_24894delinsTC, p.Arg8298Leu (NM_033071.5); c.24893_24894delinsTC (NM_033071.3); short protein forms R524L, R8298L, R548L, R8346L.
Identifiers: ClinVar variation 2187877 (VCV002187877.5), dbSNP rs2549721481, ClinGen allele CA2580075217.
Genomic context (GRCh38, chr6:152,143,704, plus strand): 5'-TAGCTCCGGCCCCGTGGGAGTTTTGCTGCGAATGATATTTTCGGTTTGCTGTATCTGAAA[AC>GA]GGCTATCATCCAGGGCTTTGCCCAGTTGTCGGATCTGTGACTCTAGGGCACTGTGGTCCC-3'
Protein context (NP_892006.3, residues 8336-8356): RQLGKALDDS[Arg8346Leu]FQIQQTENII